The following is an entry in ClinVar:

NM_005633.4(SOS1):c.2227G>C (p.Ala743Pro)

Gene: SOS1 (SOS Ras/Rac guanine nucleotide exchange factor 1; minus strand). Cytogenetic location: 2p22.1.
Variant type: single nucleotide variant.
Coding change: c.2227G>C on transcript NM_005633.4 (MANE Select); coding-DNA position 2227, G replaced by C.
Protein change: p.Ala743Pro; replaces alanine 743 with proline.
Molecular consequence: missense variant.
Genome position (GRCh38, 1-based): chr2:39,012,289, C>G on the plus strand (G>C on the coding strand, the complement: SOS1 is on the minus strand). VCF-style: chr2-39012289-C-G. GRCh37 (hg19) VCF-style: chr2-39239430-C-G.
Other names: c.2206G>C, p.Ala736Pro (NM_001382394.1); c.2227G>C, p.Ala743Pro (NM_001382395.1); short protein forms A743P, A736P.
Identifiers: ClinVar variation 280231 (VCV000280231.12), dbSNP rs759584440, ClinGen allele CA1624439.

ClinVar aggregate classification (germline): Conflicting classifications of pathogenicity. Review status: criteria provided, conflicting classifications (1 of 4 stars). 7 submissions from 6 submitters: Uncertain significance (6); Likely benign (1). Last evaluated 2026-04-29.

Conditions:
SOS1-related disorder. Also called: SOS1-related condition.
Cardiovascular phenotype. Identifiers: MedGen CN230736.
RASopathy. Also called: rasopathies; Noonan spectrum disorder. Identifiers: Orphanet 536391, MedGen C5555857, MONDO:0021060.
Fibromatosis, gingival, 1 (GINGF1). Identifiers: Orphanet 2024, MedGen C4551558, MONDO:0007609, OMIM 135300.
Noonan syndrome 4 (NS4). Also called: SOS1-Related Noonan Syndrome; NOONAN SYNDROME WITH PIGMENTED VILLONODULAR SYNOVITIS. Identifiers: Orphanet 648, MedGen C1853120, MONDO:0012547, OMIM 610733.

Allele frequency attached by ClinVar (database versions not stated): ExAC 0.00001; gnomAD 0.00001; gnomAD exomes 0.00001; TOPMed 0.00001.
gnomAD v4.1: 20 of 1,613,138 alleles (0.0012%); highest among the groups gnomAD compares: Non-Finnish European, 0.0016%; no homozygotes.

Submissions (7):

PreventionGenetics, part of Exact Sciences
Classification: Uncertain significance for SOS1-related condition. Last evaluated: 2026-04-29. Review status: criteria provided, single submitter. Criteria: ACMG Guidelines, 2015. Collection method: clinical testing. Allele origin: germline.
Comment: The SOS1 c.2227G>C variant is predicted to result in the amino acid substitution p.Ala743Pro. To our knowledge, this variant has not been reported in the literature. This variant is reported in 0.0018% of alleles in individuals of European (Non-Finnish) descent in gnomAD. At this time, the clinical significance of this variant is uncertain due to the absence of conclusive functional and genetic evidence.

Women's Health and Genetics/Laboratory Corporation of America, LabCorp
Classification: Uncertain significance. Last evaluated: 2026-02-23. Review status: criteria provided, single submitter. Criteria: LabCorp Variant Classification Summary - May 2015. Collection method: clinical testing. Allele origin: germline.

Ambry Genetics
Classification: Uncertain significance for Cardiovascular phenotype. Last evaluated: 2025-01-20. Review status: criteria provided, single submitter. Criteria: Ambry Variant Classification Scheme 2023. Collection method: clinical testing. Allele origin: germline.
Comment: The p.A743P variant (also known as c.2227G>C), located in coding exon 14 of the SOS1 gene, results from a G to C substitution at nucleotide position 2227. The alanine at codon 743 is replaced by proline, an amino acid with highly similar properties. This amino acid position is not well conserved in available vertebrate species. In addition, this alteration is predicted to be tolerated by in silico analysis. Based on the available evidence, the clinical significance of this variant remains unclear.

Labcorp Genetics (formerly Invitae), Labcorp
Classification: Likely benign for RASopathy. Last evaluated: 2023-07-27. Review status: criteria provided, single submitter. Criteria: Invitae Variant Classification Sherloc (09022015). Collection method: clinical testing. Allele origin: germline.

GeneDx
Classification: Uncertain significance. Last evaluated: 2018-10-25. Review status: criteria provided, single submitter. Criteria: GeneDx Variant Classification (06012015). Collection method: clinical testing. Allele origin: germline. Affected: yes.
Comment: The A743P variant in the SOS1 gene has not been reported previously as a pathogenic variant, nor as a benign variant, to our knowledge. The A743P variant is observed in 3/111,390 (0.0027%) alleles from individuals of non-Finnish European background, in large population cohorts (Lek et al., 2016). The A743P variant is a semi-conservative amino acid substitution, which may impact secondary protein structure as these residues differ in some properties. In-silico analyses, including protein predictors and evolutionary conservation, support that this variant does not alter protein structure/function. We interpret A743P as a variant of uncertain significance.

Genome-Nilou Lab
Classification: Uncertain significance for Noonan syndrome 4. Review status: criteria provided, single submitter. Criteria: ACMG Guidelines, 2015. Collection method: clinical testing. Allele origin: germline.

Genome-Nilou Lab
Classification: Uncertain significance for Fibromatosis, gingival, 1. Review status: criteria provided, single submitter. Criteria: ACMG Guidelines, 2015. Collection method: clinical testing. Allele origin: germline.